The following is an entry in ClinVar:

NM_006180.6(NTRK2):c.964G>T (p.Ala322Ser)

Gene: NTRK2 (neurotrophic receptor tyrosine kinase 2; plus strand). Cytogenetic location: 9q21.33.
Variant type: single nucleotide variant.
Coding change: c.964G>T on transcript NM_006180.6 (MANE Select); coding-DNA position 964, G replaced by T.
Protein change: p.Ala322Ser; replaces alanine 322 with serine.
Molecular consequence: missense variant.
Genome position (GRCh38, 1-based): chr9:84,727,764, G>T. VCF-style: chr9-84727764-G-T. GRCh37 (hg19) VCF-style: chr9-87342679-G-T.
Other names: c.964G>T, p.Ala322Ser (NM_001007097.3, NM_001018064.3, NM_001018065.2 and 16 more transcripts); c.925G>T, p.Ala309Ser (NM_001291937.2, NM_001369546.1); c.496G>T, p.Ala166Ser (NM_001369535.1, NM_001369536.1, NM_001369550.1 and 2 more transcripts); short protein forms A166S, A322S, A309S.
Identifiers: ClinVar variation 3635819 (VCV003635819.2).

ClinVar aggregate classification (germline): Uncertain significance (1 of 4 stars; one submission).

Submission:

Labcorp Genetics (formerly Invitae), Labcorp
Classification: Uncertain significance. Last evaluated: 2024-10-24. Review status: criteria provided, single submitter. Criteria: Invitae Variant Classification Sherloc (09022015). Collection method: clinical testing. Allele origin: germline.
Comment: This sequence change replaces alanine, which is neutral and non-polar, with serine, which is neutral and polar, at codon 322 of the NTRK2 protein (p.Ala322Ser). This variant is not present in population databases (gnomAD no frequency). This variant has not been reported in the literature in individuals affected with NTRK2-related conditions. Invitae Evidence Modeling of protein sequence and biophysical properties (such as structural, functional, and spatial information, amino acid conservation, physicochemical variation, residue mobility, and thermodynamic stability) indicates that this missense variant is not expected to disrupt NTRK2 protein function with a negative predictive value of 95%. In summary, the available evidence is currently insufficient to determine the role of this variant in disease. Therefore, it has been classified as a Variant of Uncertain Significance.